The following is an entry in ClinVar:

NM_005431.2(XRCC2):c.827G>T (p.Gly276Val)

Gene: XRCC2 (X-ray repair cross complementing 2; minus strand). Cytogenetic location: 7q36.1.
Variant type: single nucleotide variant.
Coding change: c.827G>T on transcript NM_005431.2 (MANE Select); coding-DNA position 827, G replaced by T.
Protein change: p.Gly276Val; replaces glycine 276 with valine.
Molecular consequence: missense variant.
Genome position (GRCh38, 1-based): chr7:152,648,658, C>A on the plus strand (G>T on the coding strand, the complement: XRCC2 is on the minus strand). VCF-style: chr7-152648658-C-A. GRCh37 (hg19) VCF-style: chr7-152345743-C-A.
Other names: short protein forms G276V.
Identifiers: ClinVar variation 4770599 (VCV004770599.1).

ClinVar aggregate classification (germline): Uncertain significance (1 of 4 stars; one submission).

Submission:

Labcorp Genetics (formerly Invitae), Labcorp
Classification: Uncertain significance. Last evaluated: 2025-08-17. Review status: criteria provided, single submitter. Criteria: Invitae Variant Classification Sherloc (09022015). Collection method: clinical testing. Allele origin: germline.
Comment: This sequence change replaces glycine, which is neutral and non-polar, with valine, which is neutral and non-polar, at codon 276 of the XRCC2 protein (p.Gly276Val). This variant is not present in population databases (gnomAD no frequency). This variant has not been reported in the literature in individuals affected with XRCC2-related conditions. Invitae Evidence Modeling of protein sequence and biophysical properties (such as structural, functional, and spatial information, amino acid conservation, physicochemical variation, residue mobility, and thermodynamic stability) indicates that this missense variant is expected to disrupt XRCC2 protein function with a positive predictive value of 80%. In summary, the available evidence is currently insufficient to determine the role of this variant in disease. Therefore, it has been classified as a Variant of Uncertain Significance.